The following is an entry in ClinVar:

ClinVar aggregate classification (germline): Benign. Review status: criteria provided, multiple submitters, no conflicts (2 of 4 stars). 14 submissions from 14 submitters: Benign (10). 4 of the submissions do not count toward it. Last evaluated 2026-02-04.

Conditions:
Methylmalonic aciduria due to methylmalonyl-CoA mutase deficiency (MAMM). Also called: Methylmalonic aciduria, mut type. Identifiers: Orphanet 27, MedGen C1855114, MONDO:0009612, OMIM 251000.
Methylmalonic aciduria due to complete methylmalonyl-CoA mutase deficiency.

Allele frequency attached by ClinVar (database versions not stated): 1000 Genomes Project 30x 0.54872; 1000 Genomes Project 0.55152; gnomAD exomes 0.56168 and 0.60905; TOPMed 0.56381; ExAC 0.57362; gnomAD 0.58464 and 0.58567; ESP Exome Variant Server 0.60158.
gnomAD v4.1: 977,088 of 1,611,684 alleles (61%); highest among the groups gnomAD compares: South Asian, 64%; 299,981 homozygotes.

Submissions (14):

Labcorp Genetics (formerly Invitae), Labcorp
Classification: Benign. Last evaluated: 2026-02-04. Review status: criteria provided, single submitter. Criteria: Invitae Variant Classification Sherloc (09022015). Collection method: clinical testing. Allele origin: germline.

Blueprint Genetics
Classification: Benign. Last evaluated: 2024-11-27. Review status: criteria provided, single submitter. Criteria: ACMG Guidelines, 2015. Collection method: clinical testing. Allele origin: germline.

Mayo Clinic Laboratories, Mayo Clinic
Classification: Benign. Last evaluated: 2022-03-31. Review status: criteria provided, single submitter. Criteria: ACMG Guidelines, 2015. Collection method: clinical testing. Allele origin: germline. Observed: 80 variant alleles.

Genome-Nilou Lab
Classification: Benign for Methylmalonic aciduria due to methylmalonyl-CoA mutase deficiency. Last evaluated: 2021-09-05. Review status: criteria provided, single submitter. Criteria: ACMG Guidelines, 2015. Collection method: clinical testing. Allele origin: germline. Affected: no.

Pars Genome Lab
Classification: Benign for Methylmalonic aciduria due to methylmalonyl-CoA mutase deficiency. Last evaluated: 2021-06-19. Review status: criteria provided, single submitter. Criteria: ACMG Guidelines, 2015. Collection method: clinical testing. Allele origin: germline. Affected: no.

Illumina Laboratory Services, Illumina
Classification: Benign for Methylmalonic aciduria due to methylmalonyl-CoA mutase deficiency. Last evaluated: 2018-01-12. Review status: criteria provided, single submitter. Criteria: ICSL Variant Classification Criteria 13 December 2019. Collection method: clinical testing. Allele origin: germline.
Comment: This variant was observed in the ICSL laboratory as part of a predisposition screen in an ostensibly healthy population. It had not been previously curated by ICSL or reported in the Human Gene Mutation Database (HGMD: prior to June 1st, 2018), and was therefore a candidate for classification through an automated scoring system. Utilizing variant allele frequency, disease prevalence and penetrance estimates, and inheritance mode, an automated score was calculated to assess if this variant is too frequent to cause the disease. Based on the score and internal cut-off values, a variant classified as benign is not then subjected to further curation. The score for this variant resulted in a classification of benign for this disease.

Laboratory for Molecular Medicine, Mass General Brigham Personalized Medicine
Classification: Benign. Last evaluated: 2016-03-28. Review status: criteria provided, single submitter. Criteria: LMM Criteria. Collection method: clinical testing. Allele origin: germline.
Comment: Variant identified in a genome or exome case(s) and assessed due to predicted null impact of the variant or pathogenic assertions in the literature or databases. Disclaimer: This variant has not undergone full assessment. The following are preliminary notes: 57% of total chromosomes in ExAC

GeneDx
Classification: Benign. Last evaluated: 2013-07-25. Review status: criteria provided, single submitter. Criteria: GeneDx Variant Classification (06012015). Collection method: clinical testing. Allele origin: germline. Affected: yes.
Comment: This variant is considered likely benign or benign based on one or more of the following criteria: it is a conservative change, it occurs at a poorly conserved position in the protein, it is predicted to be benign by multiple in silico algorithms, and/or has population frequency not consistent with disease.

Eurofins Ntd Llc (ga)
Classification: Benign. Last evaluated: 2013-03-28. Review status: criteria provided, single submitter. Criteria: EGL Classification Definitions 2015. Collection method: clinical testing. Allele origin: germline. Observed: 53 variant alleles, 26 heterozygotes, 28 homozygotes.

PreventionGenetics, part of Exact Sciences
Classification: Benign. Review status: criteria provided, single submitter. Criteria: ACMG Guidelines, 2015. Collection method: clinical testing. Allele origin: germline.

Natera, Inc.
Classification: Benign for Methylmalonic aciduria due to complete methylmalonyl-CoA mutase deficiency. Last evaluated: 2020-09-16. Review status: no assertion criteria provided. Collection method: clinical testing. Allele origin: germline. Not counted in ClinVar's aggregate classification.

Clinical Genetics, Academic Medical Center
Classification: Benign. Review status: no assertion criteria provided. Collection method: clinical testing. Allele origin: germline. Affected: yes. Study: VKGL Data-share Consensus. Not counted in ClinVar's aggregate classification.

Diagnostic Laboratory, Department of Genetics, University Medical Center Groningen
Classification: Benign for Methylmalonic aciduria due to methylmalonyl-CoA mutase deficiency. Review status: no assertion criteria provided. Collection method: clinical testing. Allele origin: germline. Affected: yes. Study: VKGL Data-share Consensus. Not counted in ClinVar's aggregate classification.

Joint Genome Diagnostic Labs from Nijmegen and Maastricht, Radboudumc and MUMC+
Classification: Benign. Review status: no assertion criteria provided. Collection method: clinical testing. Allele origin: germline. Affected: yes. Study: VKGL Data-share Consensus. Not counted in ClinVar's aggregate classification.

NM_000255.4(MMUT):c.636G>A (p.Lys212=)

Gene: MMUT (methylmalonyl-CoA mutase; minus strand). Cytogenetic location: 6p12.3.
Variant type: single nucleotide variant.
Coding change: c.636G>A on transcript NM_000255.4 (MANE Select); coding-DNA position 636, G replaced by A.
Protein change: p.Lys212=; no amino-acid change (lysine 212 retained).
Molecular consequence: synonymous variant.
Genome position (GRCh38, 1-based): chr6:49,457,808, C>T on the plus strand (G>A on the coding strand, the complement: MMUT is on the minus strand). VCF-style: chr6-49457808-C-T. GRCh37 (hg19) VCF-style: chr6-49425521-C-T.
Other names: p.K212K:AAG>AAA; p.Lys212=.
Identifiers: ClinVar variation 92687 (VCV000092687.31), dbSNP rs2229384, ClinGen allele CA285337.
Genomic context (GRCh38, chr6:49,457,808, plus strand): 5'-AATGTATGTATTTCGAACCATAAATTCCTTTAGTATATCATTTTGGATGGTACCAGTAAG[C>T]TTCTCTTTAGGTACACCTTGTTCTTCTCCAGTTACTATAAAATTTGCAAGAACTGGAATA-3'
Protein context (NP_000246.2, residues 202-222): TGEEQGVPKE[Lys212=]LTGTIQNDIL